The following is an entry in ClinVar:

ClinVar aggregate classification (germline): Benign. Review status: criteria provided, multiple submitters, no conflicts (2 of 4 stars). 2 submissions from 2 submitters: Benign (2). Last evaluated 2018-01-13.

Conditions:
Leukocyte adhesion deficiency 1 (LAD1). Also called: LEUKOCYTE ADHESION DEFICIENCY, TYPE I; LAD 1; Lymphocyte function-associated antigen 1 immunodeficiency; LFA 1 immunodeficiency. Identifiers: Orphanet 2968, Orphanet 99842, MedGen C0398738, MONDO:0007293, OMIM 116920.

Allele frequency attached by ClinVar (database versions not stated): gnomAD 0.00026 and 0.00155; TOPMed 0.00046; gnomAD exomes 0.00385; 1000 Genomes Project 30x 0.01015; 1000 Genomes Project 0.01038.
gnomAD v4.1: 3,540 of 1,025,512 alleles (0.35%); highest among the groups gnomAD compares: South Asian, 4.2%; 114 homozygotes.

Submissions (2):

Illumina Laboratory Services, Illumina
Classification: Benign for Leukocyte adhesion deficiency 1. Last evaluated: 2018-01-13. Review status: criteria provided, single submitter. Criteria: ICSL Variant Classification Criteria 13 December 2019. Collection method: clinical testing. Allele origin: germline.
Comment: This variant was observed in the ICSL laboratory as part of a predisposition screen in an ostensibly healthy population. It had not been previously curated by ICSL or reported in the Human Gene Mutation Database (HGMD: prior to June 1st, 2018), and was therefore a candidate for classification through an automated scoring system. Utilizing variant allele frequency, disease prevalence and penetrance estimates, and inheritance mode, an automated score was calculated to assess if this variant is too frequent to cause the disease. Based on the score and internal cut-off values, a variant classified as benign is not then subjected to further curation. The score for this variant resulted in a classification of benign for this disease.

Breakthrough Genomics
Classification: Benign. Review status: criteria provided, single submitter. Criteria: ACMG Guidelines, 2015. Collection method: not provided. Allele origin: germline. Inheritance: Autosomal recessive inheritance. Affected: yes.

NM_000211.5(ITGB2):c.*121C>T

Gene: ITGB2 (integrin subunit beta 2; minus strand). Cytogenetic location: 21q22.3.
Variant type: single nucleotide variant.
Coding change: c.*121C>T on transcript NM_000211.5 (MANE Select); 121 bases downstream of the stop codon, C replaced by T.
Molecular consequence: 3 prime UTR variant.
Genome position (GRCh38, 1-based): chr21:44,886,247, G>A on the plus strand (C>T on the coding strand, the complement: ITGB2 is on the minus strand). VCF-style: chr21-44886247-G-A. GRCh37 (hg19) VCF-style: chr21-46306162-G-A.
Other names: c.*121C>T (LRG_76t1, NM_001127491.3, NM_001303238.2).
Identifiers: ClinVar variation 340135 (VCV000340135.6), dbSNP rs375146934, ClinGen allele CA10653027.